The following is an entry in ClinVar:

NM_003560.4(PLA2G6):c.1665C>A (p.Tyr555Ter)

Gene: PLA2G6 (phospholipase A2 group VI; minus strand). Cytogenetic location: 22q13.1.
Variant type: single nucleotide variant.
Coding change: c.1665C>A on transcript NM_003560.4 (MANE Select); coding-DNA position 1665, C replaced by A.
Protein change: p.Tyr555Ter; replaces tyrosine 555 with a stop codon.
Molecular consequence: nonsense.
Genome position (GRCh38, 1-based): chr22:38,120,836, G>T on the plus strand (C>A on the coding strand, the complement: PLA2G6 is on the minus strand). VCF-style: chr22-38120836-G-T. GRCh37 (hg19) VCF-style: chr22-38516843-G-T.
Other names: c.1503C>A, p.Tyr501Ter (NM_001004426.3, NM_001199562.3, NM_001349865.2 and 1 more transcripts); c.1665C>A, p.Tyr555Ter (NM_001349864.2); c.1131C>A, p.Tyr377Ter (NM_001349867.2); c.987C>A, p.Tyr329Ter (NM_001349868.2); c.969C>A, p.Tyr323Ter (NM_001349869.2); short protein forms Y377*, Y501*, Y329*, Y555*, Y323*.
Identifiers: ClinVar variation 3693684 (VCV003693684.2).

ClinVar aggregate classification (germline): Pathogenic (1 of 4 stars; one submission).

Conditions:
Infantile neuroaxonal dystrophy (NBIA2A). Also called: NEURODEGENERATION WITH BRAIN IRON ACCUMULATION 2A; SEITELBERGER DISEASE; Infantile neuroaxonal dystrophy 1. Identifiers: Orphanet 35069, MedGen C0270724, MONDO:0024457, OMIM 256600.

gnomAD v4.1: 1 of 1,613,884 alleles (0.000062%); highest among the groups gnomAD compares: Non-Finnish European, 0.000085%; no homozygotes.

Submission:

Labcorp Genetics (formerly Invitae), Labcorp
Classification: Pathogenic for Infantile neuroaxonal dystrophy. Last evaluated: 2024-02-13. Review status: criteria provided, single submitter. Criteria: Invitae Variant Classification Sherloc (09022015). Collection method: clinical testing. Allele origin: germline.
Comment: This sequence change creates a premature translational stop signal (p.Tyr555*) in the PLA2G6 gene. It is expected to result in an absent or disrupted protein product. Loss-of-function variants in PLA2G6 are known to be pathogenic (PMID: 16783378, 18570303, 18799783, 22213678). This variant is not present in population databases (gnomAD no frequency). This variant has not been reported in the literature in individuals affected with PLA2G6-related conditions. For these reasons, this variant has been classified as Pathogenic.

Literature cited by the submitters: PubMed 16783378; PubMed 18570303; PubMed 18799783; PubMed 22213678.